The following is an entry in ClinVar:

NM_000463.3(UGT1A1):c.722_723del (p.Glu241fs)

Genes: UGT1A9 (UDP glucuronosyltransferase family 1 member A9; plus strand), UGT1A5 (UDP glucuronosyltransferase family 1 member A5; plus strand), UGT1A6 (UDP glucuronosyltransferase family 1 member A6; plus strand), UGT1A7 (UDP glucuronosyltransferase family 1 member A7; plus strand), UGT1A8 (UDP glucuronosyltransferase family 1 member A8; plus strand) and 5 more. Cytogenetic location: 2q37.1.
Variant type: Microsatellite.
Coding change: c.722_723del on transcript NM_000463.3 (MANE Select); coding-DNA positions 722 to 723, 2 bases deleted (AG; older notation c.722_723delAG).
Protein change: p.Glu241fs; shifts the reading frame from glutamic acid 241.
Molecular consequence: frameshift variant. On other transcripts: intron variant (9).
Genome position (GRCh38, 1-based): chr2:233,761,009-233,761,010, AG deleted; deleting any 2 consecutive bases within chr2:233,761,003-233,761,010 gives the same sequence; the c. name uses the placement nearest the transcript's 3' end. VCF-style (leftmost placement, unchanged base first): chr2-233761002-CAG-C. GRCh37 (hg19) VCF-style: chr2-234669648-CAG-C.
Other names: c.722_723delAG (NM_000463.3); c.722_723del (NM_000463.2); c.856-6031AG[3] (NM_019076.5, NM_019075.4, NM_021027.3 and 1 more transcripts); c.61-6031AG[3] (NM_205862.3); c.862-6031AG[3] (NM_001072.4); c.868-6031AG[3] (NM_019078.2, NM_007120.3, NM_019093.4); short protein forms E241fs.
Identifiers: ClinVar variation 212545 (VCV000212545.16), dbSNP rs797046091, ClinGen allele CA209273.
Genomic context (GRCh38, chr2:233,761,002, plus strand): 5'-CAGAACTTTCTGTGCGACGTGGTTTATTCCCCGTATGCAACCCTTGCCTCAGAATTCCTT[CAG>C]AGAGAGGTGACTGTCCAGGACCTATTGAGCTCTGCATCTGTCTGGCTGTTTAGAAGTGAC-3'

ClinVar aggregate classification (germline): Pathogenic. Review status: criteria provided, multiple submitters, no conflicts (2 of 4 stars). 7 submissions from 7 submitters: Pathogenic (6). 1 of the submissions does not count toward it. Last evaluated 2025-09-16.

Conditions:
UGT1A1-related disorder. Also called: UGT1A1-related condition; UGT1A1-related disorders.
Crigler-Najjar syndrome type 1. Also called: HYPERBILIRUBINEMIA, CRIGLER-NAJJAR TYPE I. Identifiers: Orphanet 79234, MedGen C0010324, MONDO:0021020, OMIM 218800.
Gilbert syndrome. Also called: HYPERBILIRUBINEMIA I; HYPERBILIRUBINEMIA, ARIAS TYPE; Gilbert's syndrome; HYPERBILIRUBINEMIA, GILBERT TYPE; Gilbert Disease. Identifiers: MedGen C0017551, MONDO:0007745, OMIM 143500.
Lucey-Driscoll syndrome (HBLRTFN). Also called: Transient familial neonatal hyperbilirubinemia. Identifiers: Orphanet 2312, MedGen C0270210, MONDO:0009383, OMIM 237900.
Crigler-Najjar syndrome, type II. Also called: HYPERBILIRUBINEMIA, CRIGLER-NAJJAR TYPE II; Crigler Najjar syndrome, type 2; Mutation in the UDP-glucuronosyl-transferase gene. Identifiers: Orphanet 205, Orphanet 79235, MedGen C2931132, MONDO:0011725, OMIM 606785.
Hyperbilirubinemia. Identifiers: MedGen C0311468, MONDO:0024288, HP:0002904.

Submissions (7):

First Genomix Gene Laboratory, Genetic Diagnostics Department
Classification: Pathogenic for Gilbert syndrome; Crigler-Najjar syndrome type 1; Crigler-Najjar syndrome, type II; Lucey-Driscoll syndrome. Last evaluated: 2025-09-16. Review status: criteria provided, single submitter. Criteria: ACMG Guidelines, 2015. Collection method: clinical testing. Allele origin: germline. Inheritance: Autosomal recessive inheritance. Affected: no. Observed: 1 variant allele.

Labcorp Genetics (formerly Invitae), Labcorp
Classification: Pathogenic. Last evaluated: 2025-04-15. Review status: criteria provided, single submitter. Criteria: Invitae Variant Classification Sherloc (09022015). Collection method: clinical testing. Allele origin: germline.
Comment: This sequence change creates a premature translational stop signal (p.Glu241Glyfs*16) in the UGT1A1 gene. It is expected to result in an absent or disrupted protein product. Loss-of-function variants in UGT1A1 are known to be pathogenic (PMID: 23290513). This variant is present in population databases (rs774744039, gnomAD 0.0009%). This premature translational stop signal has been observed in individual(s) with Crigler-Najjar syndrome (PMID: 11182932, 18058623). This variant is also known as "AGdel at codons 238-239-240" or "c.717_718delAG". ClinVar contains an entry for this variant (Variation ID: 212545). For these reasons, this variant has been classified as Pathogenic.

ARUP Laboratories, Molecular Genetics and Genomics, ARUP Laboratories
Classification: Pathogenic. Last evaluated: 2024-10-21. Review status: criteria provided, single submitter. Criteria: ARUP Molecular Germline Variant Investigation Process 2024. Collection method: clinical testing. Allele origin: germline.
Comment: The UGT1A1 c.722_723del; p.Glu241GlyfsTer16 variant (rs797046091, ClinVar Variation ID: 212545) is reported in the literature in two individuals affected with Crigler-Najjar syndrome (Iolascon 2000 and Perretti 2007). This variant is only observed on one allele in the Genome Aggregation Database (v2.1.1), indicating it is not a common polymorphism. This variant causes a frameshift by deleting two nucleotides in exon 1, so it is predicted to result in a truncated protein or mRNA subject to nonsense-mediated decay. Based on available information, this variant is considered to be pathogenic. References: Iolascon A et al. Crigler-Najjar syndrome type II resulting from three different mutations in the bilirubin uridine 5'-diphosphate-glucuronosyltransferase (UGT1A1) gene. J Med Genet. 2000 Sep;37(9):712-3. PMID: 11182932 Perretti A et al. Clinical utility of electrophysiological evaluation in Crigler-Najjar syndrome. Neuropediatrics. 2007 Aug;38(4):173-8. PMID: 18058623.

Eurofins Ntd Llc (ga)
Classification: Pathogenic. Last evaluated: 2016-11-16. Review status: criteria provided, single submitter. Criteria: EGL Classification Definitions 2015. Collection method: clinical testing. Allele origin: germline. Observed: 1 variant allele, 1 heterozygote.

Genetic Services Laboratory, University of Chicago
Classification: Pathogenic for Hyperbilirubinemia. Last evaluated: 2013-02-08. Review status: criteria provided, single submitter. Criteria: ACMG Guidelines, 2007. Collection method: clinical testing. Allele origin: germline. Affected: yes.

Rady Children's Institute for Genomic Medicine, Rady Children's Hospital San Diego
Classification: Pathogenic for UGT1A1-related disorders. Review status: criteria provided, single submitter. Criteria: ACMG Guidelines, 2015. Collection method: clinical testing. Allele origin: germline.
Comment: This frameshifting variant in exon 1 of 5 introduces a premature stop codon and is therefore predicted to result in loss of normal protein function through either protein truncation or nonsense-mediated mRNA decay (NMD). This variant has been previously reported as a compound heterozygous change in patients with UGT1A1-related disorders (in addition to homozygosity for the sequence variation (TA)7 in the promoter region in one case) (PMID: 11182932, 18058623). The c.722_723del (p.Glu241GlyfsTer16) variant is present in the heterozygous state in the gnomAD population database at a frequency of 0.0003% (1/251186) and thus is presumed to be rare. Based on the available evidence, the c.722_723del (p.Glu241GlyfsTer16) variant is classified as Pathogenic.

Neonatal Research Center, Shiraz University of Medical Science
Classification: Pathogenic for Crigler-Najjar syndrome type 1. Last evaluated: 2021-02-09. Review status: no assertion criteria provided. Collection method: research. Allele origin: germline. Inheritance: Autosomal recessive inheritance. Affected: yes. Observed: 1 variant allele, 1 homozygote. Not counted in ClinVar's aggregate classification.
Comment: Evaluation of protein structure showed that the c.722_723delAG mutation leads to the expression of a truncated protein. The c.722_723delAG mutation is a null variant (frameshift) in the UGT1A1 gene. Loss-of-function mutation (LOF) is a known mechanism of CNS-1. This mutation was absent from controls in Exome Sequencing Project, 1000 Genomes Project, or Exome Aggregation Consortium. There was cosegregation with CNS-1 disease in multiple affected family members in a gene definitively known to cause the disease.

Literature cited by the submitters: PubMed 23290513 (cited by Labcorp Genetics (formerly Invitae), Labcorp); PubMed 11182932 (cited by Labcorp Genetics (formerly Invitae), Labcorp); PubMed 18058623 (cited by Labcorp Genetics (formerly Invitae), Labcorp).